The following is an entry in ClinVar:

ClinVar aggregate classification (germline): Conflicting classifications of pathogenicity. Review status: criteria provided, conflicting classifications (1 of 4 stars). 5 submissions from 5 submitters: Uncertain significance (1); Benign (1); Likely benign (3). Last evaluated 2025-09-25.

Conditions:
ABCA4-related disorder. Also called: ABCA4-related condition; ABCA4-related disorders. Identifiers: MedGen CN239167.

Allele frequency attached by ClinVar (database versions not stated): TOPMed 0.00007; gnomAD 0.00009 and 0.00010; gnomAD exomes 0.00010 and 0.00012; ExAC 0.00011.
gnomAD v4.1: 155 of 1,614,114 alleles (0.0096%); highest among the groups gnomAD compares: Admixed American, 0.035%; no homozygotes.

Submissions (5):

Labcorp Genetics (formerly Invitae), Labcorp
Classification: Likely benign. Last evaluated: 2025-09-25. Review status: criteria provided, single submitter. Criteria: Invitae Variant Classification Sherloc (09022015). Collection method: clinical testing. Allele origin: germline.

Blueprint Genetics
Classification: Likely benign. Last evaluated: 2022-11-10. Review status: criteria provided, single submitter. Criteria: ACMG Guidelines, 2015. Collection method: clinical testing. Allele origin: germline.

Illumina Laboratory Services, Illumina
Classification: Uncertain significance for ABCA4-Related Disorders. Last evaluated: 2018-01-12. Review status: criteria provided, single submitter. Criteria: ICSL Variant Classification Criteria 13 December 2019. Collection method: clinical testing. Allele origin: germline.

GeneDx
Classification: Benign. Last evaluated: 2013-06-19. Review status: criteria provided, single submitter. Criteria: GeneDx Variant Classification (06012015). Collection method: clinical testing. Allele origin: germline. Affected: yes.
Comment: This variant is considered likely benign or benign based on one or more of the following criteria: it is a conservative change, it occurs at a poorly conserved position in the protein, it is predicted to be benign by multiple in silico algorithms, and/or has population frequency not consistent with disease.

PreventionGenetics, part of Exact Sciences
Classification: Likely benign. Review status: criteria provided, single submitter. Criteria: ACMG Guidelines, 2015. Collection method: clinical testing. Allele origin: germline.

NM_000350.3(ABCA4):c.3285C>T (p.Tyr1095=)

Gene: ABCA4 (ATP binding cassette subfamily A member 4; minus strand). Cytogenetic location: 1p22.1.
Variant type: single nucleotide variant.
Coding change: c.3285C>T on transcript NM_000350.3 (MANE Select); coding-DNA position 3285, C replaced by T.
Protein change: p.Tyr1095=; no amino-acid change (tyrosine 1095 retained).
Molecular consequence: synonymous variant.
Genome position (GRCh38, 1-based): chr1:94,042,804, G>A on the plus strand (C>T on the coding strand, the complement: ABCA4 is on the minus strand). VCF-style: chr1-94042804-G-A. GRCh37 (hg19) VCF-style: chr1-94508360-G-A.
Other names: p.Y1095Y:TAC>TAT; c.3063C>T, p.Tyr1021= (NM_001425324.1).
Identifiers: ClinVar variation 136239 (VCV000136239.17), dbSNP rs570745701, ClinGen allele CA289216.